The following is an entry in ClinVar:

NM_016156.6(MTMR2):c.874del (p.Ser292fs)

Gene: MTMR2 (myotubularin related protein 2; minus strand). Cytogenetic location: 11q21.
Variant type: Deletion.
Coding change: c.874del on transcript NM_016156.6 (MANE Select); coding-DNA position 874, one base deleted (A; older notation c.874delA).
Protein change: p.Ser292fs; shifts the reading frame from serine 292.
Molecular consequence: frameshift variant.
Genome position (GRCh38, 1-based): chr11:95,849,793, T deleted on the plus strand (A on the coding strand, the reverse complement: MTMR2 is on the minus strand). VCF-style (leftmost placement, unchanged base first): chr11-95849792-CT-C. GRCh37 (hg19) VCF-style: chr11-95582956-CT-C.
Other names: c.874delA (NM_016156.5); c.658del, p.Ser220fs (NM_001243571.2, NM_201278.3, NM_201281.3); short protein forms S292fs, S220fs.
Identifiers: ClinVar variation 859440 (VCV000859440.8), dbSNP rs1863944217, ClinGen allele CA916080432.
Genomic context (GRCh38, chr11:95,849,792, plus strand): 5'-TGGGCATTGGAATCCATGATAGCTTGAAGGTATTTTTCATCTTCTTTGCTTCGCTTTCCA[CT>C]CACTCCAACCATGGGCTGGCTACACCGAGTGATTGTGGCTTGACTTTCAGGATGAATCCA-3'

ClinVar aggregate classification (germline): Pathogenic/Likely pathogenic. Review status: criteria provided, multiple submitters, no conflicts (2 of 4 stars). 2 submissions from 2 submitters: Pathogenic (1); Likely pathogenic (1). Last evaluated 2026-09-06.

Conditions:
MTMR2-related disorder. Also called: MTMR2-related condition.
Charcot-Marie-Tooth disease type 4. Also called: Charcot-Marie-Tooth disease, type IV; Charcot-Marie-Tooth, Type 4. Identifiers: Orphanet 64749, MedGen C4082197, MONDO:0018995.

Allele frequency attached by ClinVar (database versions not stated): gnomAD exomes below 0.00001.

Submissions (2):

PreventionGenetics, part of Exact Sciences
Classification: Likely pathogenic for MTMR2-related condition. Last evaluated: 2026-09-06. Review status: criteria provided, single submitter. Criteria: ACMG Guidelines, 2015. Collection method: clinical testing. Allele origin: germline.
Comment: The MTMR2 c.874delA variant is predicted to result in a frameshift and premature protein termination (p.Ser292Valfs*57). To our knowledge, this variant has not been reported in the literature or in a large population database (gnomAD), indicating this variant is rare. Frameshift variants in MTMR2 are expected to be pathogenic. This variant is interpreted as likely pathogenic.

Labcorp Genetics (formerly Invitae), Labcorp
Classification: Pathogenic for Charcot-Marie-Tooth disease type 4. Last evaluated: 2019-07-26. Review status: criteria provided, single submitter. Criteria: Invitae Variant Classification Sherloc (09022015). Collection method: clinical testing. Allele origin: germline.
Comment: This variant has not been reported in the literature in individuals with MTMR2-related conditions. Loss-of-function variants in MTMR2 are known to be pathogenic (PMID: 10802647). For these reasons, this variant has been classified as Pathogenic. This variant is not present in population databases (ExAC no frequency). This sequence change creates a premature translational stop signal (p.Ser292Valfs*57) in the MTMR2 gene. It is expected to result in an absent or disrupted protein product.

Literature cited by the submitters: PubMed 10802647 (cited by Labcorp Genetics (formerly Invitae), Labcorp).